The following is an entry in ClinVar:

ClinVar aggregate classification (germline): Uncertain significance (1 of 4 stars; one submission).

Submission:

GeneDx
Classification: Uncertain significance. Last evaluated: 2023-08-04. Review status: criteria provided, single submitter. Criteria: GeneDx Variant Classification Process June 2021. Collection method: clinical testing. Allele origin: germline. Affected: yes.
Comment: Has not been previously published as pathogenic or benign to our knowledge; Not observed at significant frequency in large population cohorts (gnomAD); Canonical splice site variant in a gene or region of a gene for which loss of function is not a well-established mechanism of disease

NM_001999.4(FBN2):c.4472-1G>A

Gene: FBN2 (fibrillin 2; minus strand). Cytogenetic location: 5q23.3.
Variant type: single nucleotide variant.
Coding change: c.4472-1G>A on transcript NM_001999.4 (MANE Select); the canonical splice acceptor site of the intron before coding-DNA position 4472, G replaced by A.
Molecular consequence: splice acceptor variant.
Genome position (GRCh38, 1-based): chr5:128,319,002, C>T on the plus strand (G>A on the coding strand, the complement: FBN2 is on the minus strand). VCF-style: chr5-128319002-C-T. GRCh37 (hg19) VCF-style: chr5-127654694-C-T.
Identifiers: ClinVar variation 3343884 (VCV003343884.1).